The following is an entry in ClinVar:

ClinVar aggregate classification (germline): Uncertain significance (1 of 4 stars; one submission).

gnomAD v4.1: 6 of 1,572,394 alleles (0.00038%); highest among the groups gnomAD compares: South Asian, 0.0066%; 1 homozygote.

Submission:

Labcorp Genetics (formerly Invitae), Labcorp
Classification: Uncertain significance. Last evaluated: 2024-04-19. Review status: criteria provided, single submitter. Criteria: Invitae Variant Classification Sherloc (09022015). Collection method: clinical testing. Allele origin: germline.
Comment: This sequence change falls in intron 19 of the MYH3 gene. It does not directly change the encoded amino acid sequence of the MYH3 protein. It affects a nucleotide within the consensus splice site. This variant is present in population databases (rs756113159, gnomAD 0.007%). This variant has not been reported in the literature in individuals affected with MYH3-related conditions. Variants that disrupt the consensus splice site are a relatively common cause of aberrant splicing (PMID: 17576681, 9536098). Algorithms developed to predict the effect of sequence changes on RNA splicing suggest that this variant may disrupt the consensus splice site. In summary, the available evidence is currently insufficient to determine the role of this variant in disease. Therefore, it has been classified as a Variant of Uncertain Significance.

Literature cited by the submitters: PubMed 17576681; PubMed 9536098.

NM_002470.4(MYH3):c.2165+6T>G

Gene: MYH3 (myosin heavy chain 3; minus strand). Cytogenetic location: 17p13.1.
Variant type: single nucleotide variant.
Coding change: c.2165+6T>G on transcript NM_002470.4 (MANE Select); 6 bases into the intron after coding-DNA position 2165, T replaced by G.
Molecular consequence: intron variant.
Genome position (GRCh38, 1-based): chr17:10,641,079, A>C on the plus strand (T>G on the coding strand, the complement: MYH3 is on the minus strand). VCF-style: chr17-10641079-A-C. GRCh37 (hg19) VCF-style: chr17-10544396-A-C.
Identifiers: ClinVar variation 3621944 (VCV003621944.2).